The following is an entry in ClinVar:

ClinVar aggregate classification (germline): Uncertain significance (1 of 4 stars; one submission).

Submission:

GeneDx
Classification: Uncertain significance. Last evaluated: 2026-04-14. Review status: criteria provided, single submitter. Criteria: GeneDx Variant Classification Process June 2021. Collection method: clinical testing. Allele origin: germline.
Comment: Not observed at significant frequency in large population cohorts (gnomAD); In silico analysis supports that this missense variant has a deleterious effect on protein structure/function; Has not been previously published as pathogenic or benign to our knowledge

NM_024753.5(TTC21B):c.2657T>C (p.Ile886Thr)

Gene: TTC21B (tetratricopeptide repeat domain 21B; minus strand). Cytogenetic location: 2q24.3.
Variant type: single nucleotide variant.
Coding change: c.2657T>C on transcript NM_024753.5 (MANE Select); coding-DNA position 2657, T replaced by C.
Protein change: p.Ile886Thr; replaces isoleucine 886 with threonine.
Molecular consequence: missense variant.
Genome position (GRCh38, 1-based): chr2:165,901,822, A>G on the plus strand (T>C on the coding strand, the complement: TTC21B is on the minus strand). VCF-style: chr2-165901822-A-G. GRCh37 (hg19) VCF-style: chr2-166758332-A-G.
Other names: short protein forms I886T.
Identifiers: ClinVar variation 5037079 (VCV005037079.1).